The following is an entry in ClinVar:

NM_182493.3(MYLK3):c.2435T>C (p.Leu812Ser)

Gene: MYLK3 (myosin light chain kinase 3; minus strand). Cytogenetic location: 16q11.2.
Variant type: single nucleotide variant.
Coding change: c.2435T>C on transcript NM_182493.3 (MANE Select); coding-DNA position 2435, T replaced by C.
Protein change: p.Leu812Ser; replaces leucine 812 with serine.
Molecular consequence: missense variant.
Genome position (GRCh38, 1-based): chr16:46,707,729, A>G on the plus strand (T>C on the coding strand, the complement: MYLK3 is on the minus strand). VCF-style: chr16-46707729-A-G. GRCh37 (hg19) VCF-style: chr16-46741641-A-G.
Other names: c.1412T>C, p.Leu471Ser (NM_001308301.1); short protein forms L812S, L471S.
Identifiers: ClinVar variation 1521974 (VCV001521974.8), dbSNP rs762775841, ClinGen allele CA280202550.

ClinVar aggregate classification (germline): Uncertain significance (1 of 4 stars; one submission).

Allele frequency attached by ClinVar (database versions not stated): gnomAD exomes below 0.00001 and 0.00001; TOPMed below 0.00001; gnomAD 0.00001.
gnomAD v4.1: 14 of 1,613,176 alleles (0.00087%); highest among the groups gnomAD compares: Non-Finnish European, 0.0012%; no homozygotes.

Submission:

Labcorp Genetics (formerly Invitae), Labcorp
Classification: Uncertain significance. Last evaluated: 2025-08-06. Review status: criteria provided, single submitter. Criteria: Invitae Variant Classification Sherloc (09022015). Collection method: clinical testing. Allele origin: germline.
Comment: This sequence change replaces leucine, which is neutral and non-polar, with serine, which is neutral and polar, at codon 812 of the MYLK3 protein (p.Leu812Ser). This variant is present in population databases (rs762775841, gnomAD 0.0009%). This variant has not been reported in the literature in individuals affected with MYLK3-related conditions. ClinVar contains an entry for this variant (Variation ID: 1521974). An algorithm developed to predict the effect of missense changes on protein structure and function (PolyPhen-2) suggests that this variant is likely to be disruptive. In summary, the available evidence is currently insufficient to determine the role of this variant in disease. Therefore, it has been classified as a Variant of Uncertain Significance.